The following is an entry in ClinVar:

ClinVar aggregate classification (germline): Uncertain significance (1 of 4 stars; one submission).

Conditions:
SMARCA4-related disorder. Also called: SMARCA4-related condition.

Submission:

PreventionGenetics, part of Exact Sciences
Classification: Uncertain significance for SMARCA4-related condition. Last evaluated: 2026-08-11. Review status: criteria provided, single submitter. Criteria: ACMG Guidelines, 2015. Collection method: clinical testing. Allele origin: germline.
Comment: The SMARCA4 c.3359G>A variant is predicted to result in the amino acid substitution p.Gly1120Asp. To our knowledge, this variant has not been reported in the literature or in a large population database, indicating this variant is rare. This variant has been submitted to ClinVar by PreventionGenetics as a variant of uncertain significance (Variation ID: 3347060). At this time, the clinical significance of this variant is uncertain due to the absence of conclusive functional and genetic evidence.

NM_003072.5(SMARCA4):c.3359G>A (p.Gly1120Asp)

Gene: SMARCA4 (SWI/SNF related BAF chromatin remodeling complex subunit ATPase 4; plus strand). Cytogenetic location: 19p13.2.
Variant type: single nucleotide variant.
Coding change: c.3359G>A on transcript NM_003072.5 (MANE Select); coding-DNA position 3359, G replaced by A.
Protein change: p.Gly1120Asp; replaces glycine 1120 with aspartic acid.
Molecular consequence: missense variant. On other transcripts: non-coding transcript variant (1).
Genome position (GRCh38, 1-based): chr19:11,027,927, G>A. VCF-style: chr19-11027927-G-A. GRCh37 (hg19) VCF-style: chr19-11138603-G-A.
Other names: c.3359G>A, p.Gly1120Asp (NM_001128844.3, NM_001128845.2, NM_001128846.2 and 6 more transcripts); short protein forms G1120D.
Identifiers: ClinVar variation 3347060 (VCV003347060.2).